The following is an entry in ClinVar:

ClinVar aggregate classification (germline): Benign/Likely benign. Review status: criteria provided, multiple submitters, no conflicts (2 of 4 stars). 2 submissions from 2 submitters: Benign (1); Likely benign (1). Last evaluated 2026-04-28.

Conditions:
Colorectal cancer, susceptibility to, 1. Also called: COLORECTAL ADENOMA AND CANCER, SUSCEPTIBILITY TO; COLORECTAL CANCER, SUSCEPTIBILITY TO, ON CHROMOSOME 9. Identifiers: MedGen C1837315, MONDO:0012132, OMIM 608812.

Submissions (2):

Myriad Genetics, Inc.
Classification: Benign for Colorectal cancer, susceptibility to, 1. Last evaluated: 2026-04-28. Review status: criteria provided, single submitter. Criteria: Myriad Autosomal Dominant, Autosomal Recessive and X-Linked Classification Criteria (2023). Collection method: clinical testing. Allele origin: unknown.
Comment: This variant is considered benign. This variant is a silent/synonymous amino acid change and it is not expected to impact splicing.

Ambry Genetics
Classification: Likely benign. Last evaluated: 2023-08-23. Review status: criteria provided, single submitter. Criteria: Ambry Variant Classification Scheme 2023. Collection method: clinical testing. Allele origin: germline.

NM_024642.5(GALNT12):c.1728C>T (p.Phe576=)

Gene: GALNT12 (polypeptide N-acetylgalactosaminyltransferase 12; plus strand). Cytogenetic location: 9q22.33.
Variant type: single nucleotide variant.
Coding change: c.1728C>T on transcript NM_024642.5 (MANE Select); coding-DNA position 1728, C replaced by T.
Protein change: p.Phe576=; no amino-acid change (phenylalanine 576 retained).
Molecular consequence: synonymous variant.
Genome position (GRCh38, 1-based): chr9:98,849,074, C>T. VCF-style: chr9-98849074-C-T. GRCh37 (hg19) VCF-style: chr9-101611356-C-T.
Identifiers: ClinVar variation 2586466 (VCV002586466.3), dbSNP rs1836489949, ClinGen allele CA466426215.